The following is an entry in ClinVar:

NM_017763.6(RNF43):c.1344A>C (p.Glu448Asp)

Gene: RNF43 (ring finger protein 43; minus strand). Cytogenetic location: 17q22.
Variant type: single nucleotide variant.
Coding change: c.1344A>C on transcript NM_017763.6 (MANE Select); coding-DNA position 1344, A replaced by C.
Protein change: p.Glu448Asp; replaces glutamic acid 448 with aspartic acid.
Molecular consequence: missense variant.
Genome position (GRCh38, 1-based): chr17:58,358,432, T>G on the plus strand (A>C on the coding strand, the complement: RNF43 is on the minus strand). VCF-style: chr17-58358432-T-G. GRCh37 (hg19) VCF-style: chr17-56435793-T-G.
Other names: c.1344A>C, p.Glu448Asp (NM_001305544.3, NM_001438820.1, NM_001438821.1 and 1 more transcripts); c.963A>C, p.Glu321Asp (NM_001305545.2, NM_001437987.1); short protein forms E448D, E321D.
Identifiers: ClinVar variation 4155769 (VCV004155769.1).

ClinVar aggregate classification (germline): Uncertain significance (1 of 4 stars; one submission).

gnomAD v4.1: 3 of 1,614,046 alleles (0.00019%); highest among the groups gnomAD compares: Non-Finnish European, 0.00025%; no homozygotes.

Submission:

Ambry Genetics
Classification: Uncertain significance. Last evaluated: 2025-08-08. Review status: criteria provided, single submitter. Criteria: Ambry Variant Classification Scheme 2023. Collection method: clinical testing. Allele origin: germline.
Comment: The p.E448D variant (also known as c.1344A>C), located in coding exon 8 of the RNF43 gene, results from an A to C substitution at nucleotide position 1344. The glutamic acid at codon 448 is replaced by aspartic acid, an amino acid with highly similar properties. This amino acid position is conserved. In addition, this alteration is predicted to be tolerated by in silico analysis. Based on the available evidence, the clinical significance of this variant remains unclear.